The following is an entry in ClinVar:

ClinVar aggregate classification (germline): Uncertain significance. Review status: criteria provided, multiple submitters, no conflicts (2 of 4 stars). 2 submissions from 2 submitters: Uncertain significance (2). Last evaluated 2018-08-24.

Allele frequency attached by ClinVar (database versions not stated): gnomAD 0.00001 and 0.00003; gnomAD exomes 0.00001; TOPMed 0.00001.
gnomAD v4.1: 8 of 1,613,200 alleles (0.0005%); highest among the groups gnomAD compares: Non-Finnish European, 0.00068%; no homozygotes.

Submissions (2):

Laboratory for Molecular Medicine, Mass General Brigham Personalized Medicine
Classification: Uncertain significance. Last evaluated: 2018-08-24. Review status: criteria provided, single submitter. Criteria: LMM Criteria. Collection method: clinical testing. Allele origin: germline. Observed: 1 variant allele.
Comment: The p.Pro308Arg variant in CCDC50 has not been previously reported in individual s with hearing loss but has been identified in 0.003% (4/125518) of European chr omosomes by the Genome Aggregation Database (gnomAD). This variant has also been reported in ClinVar (Variation ID 424088). Co mputational prediction tools and conservation analysis do not provide strong sup port for or against an impact to the protein. In summary, the clinical significa nce of the p.Pro308Arg variant is uncertain. ACMG/AMP Criteria applied: PM2

GeneDx
Classification: Uncertain significance. Last evaluated: 2017-03-22. Review status: criteria provided, single submitter. Criteria: GeneDx Variant Classification (06012015). Collection method: clinical testing. Allele origin: germline. Affected: yes.
Comment: The P308R variant in the CCDC50 gene has not been reported previously as a pathogenic variant, nor as a benign variant, to our knowledge. The P308R variant is not observed in large population cohorts (Lek et al., 2016; 1000 Genomes Consortium et al., 2015; Exome Variant Server). The P308R variant is a non-conservative amino acid substitution, which is likely to impact secondary protein structure as these residues differ in polarity, charge, size and/or other properties. However, this substitution occurs at a position that is not conserved across species, and in silico analysis is inconsistent in its predictions as to whether or not the variant is damaging to the protein structure/function. We interpret P308R as a variant of uncertain significance.

NM_178335.3(CCDC50):c.923C>G (p.Pro308Arg)

Gene: CCDC50 (coiled-coil domain containing 50; plus strand). Cytogenetic location: 3q28.
Variant type: single nucleotide variant.
Coding change: c.923C>G on transcript NM_178335.3 (MANE Select); coding-DNA position 923, C replaced by G.
Protein change: p.Pro308Arg; replaces proline 308 with arginine.
Molecular consequence: missense variant. On other transcripts: intron variant (1).
Genome position (GRCh38, 1-based): chr3:191,375,536, C>G. VCF-style: chr3-191375536-C-G. GRCh37 (hg19) VCF-style: chr3-191093325-C-G.
Other names: c.449-4623C>G (NM_174908.4); short protein forms P308R.
Identifiers: ClinVar variation 424088 (VCV000424088.6), dbSNP rs1064796789, ClinGen allele CA16617862.